The following is an entry in ClinVar:

ClinVar aggregate classification (germline): Uncertain significance. Review status: criteria provided, multiple submitters, no conflicts (2 of 4 stars). 5 submissions from 5 submitters: Uncertain significance (5). Last evaluated 2025-08-06.

Conditions:
Classic or attenuated familial adenomatous polyposis. Identifiers: MedGen CN372698, MONDO:0021057.
Familial adenomatous polyposis 1 (FAP1). Also called: POLYPOSIS, ADENOMATOUS INTESTINAL; FAMILIAL ADENOMATOUS POLYPOSIS 1, ATTENUATED. Identifiers: MedGen C2713442, MONDO:0021056, OMIM 175100. Disease mechanism: loss of function.
Hereditary cancer-predisposing syndrome. Also called: Neoplastic Syndromes, Hereditary; Tumor predisposition; Hereditary Cancer Syndrome; Hereditary neoplastic syndrome. Identifiers: Orphanet 140162, MedGen C0027672, MeSH D009386, MONDO:0015356.

gnomAD v4.1: 2 of 1,613,868 alleles (0.00012%); highest among the groups gnomAD compares: Non-Finnish European, 0.00017%; no homozygotes.

Submissions (5):

Labcorp Genetics (formerly Invitae), Labcorp
Classification: Uncertain significance for Familial adenomatous polyposis 1. Last evaluated: 2025-08-06. Review status: criteria provided, single submitter. Criteria: Invitae Variant Classification Sherloc (09022015). Collection method: clinical testing. Allele origin: germline.
Comment: This sequence change replaces serine, which is neutral and polar, with cysteine, which is neutral and slightly polar, at codon 2247 of the APC protein (p.Ser2247Cys). This variant is not present in population databases (gnomAD no frequency). This variant has not been reported in the literature in individuals affected with APC-related conditions. ClinVar contains an entry for this variant (Variation ID: 651540). Invitae Evidence Modeling of protein sequence and biophysical properties (such as structural, functional, and spatial information, amino acid conservation, physicochemical variation, residue mobility, and thermodynamic stability) indicates that this missense variant is not expected to disrupt APC protein function with a negative predictive value of 95%. In summary, the available evidence is currently insufficient to determine the role of this variant in disease. Therefore, it has been classified as a Variant of Uncertain Significance.

Women's Health and Genetics/Laboratory Corporation of America, LabCorp
Classification: Uncertain significance. Last evaluated: 2025-04-24. Review status: criteria provided, single submitter. Criteria: LabCorp Variant Classification Summary - May 2015. Collection method: clinical testing. Allele origin: germline.

Ambry Genetics
Classification: Uncertain significance for Hereditary cancer-predisposing syndrome. Last evaluated: 2024-05-04. Review status: criteria provided, single submitter. Criteria: Ambry Variant Classification Scheme 2023. Collection method: clinical testing. Allele origin: germline.
Comment: The p.S2247C variant (also known as c.6740C>G), located in coding exon 15 of the APC gene, results from a C to G substitution at nucleotide position 6740. The serine at codon 2247 is replaced by cysteine, an amino acid with dissimilar properties. This amino acid position is well conserved in available vertebrate species. In addition, in silico predictors for this gene do not accurately predict pathogenicity. Since supporting evidence is limited at this time, the clinical significance of this alteration remains unclear.

GeneDx
Classification: Uncertain significance. Last evaluated: 2024-04-02. Review status: criteria provided, single submitter. Criteria: GeneDx Variant Classification Process June 2021. Collection method: clinical testing. Allele origin: germline. Affected: yes.
Comment: Not observed at significant frequency in large population cohorts (gnomAD); In silico analysis supports that this missense variant does not alter protein structure/function; Has not been previously published as pathogenic or benign to our knowledge; This variant is associated with the following publications: (PMID: 18199528)

All of Us Research Program, National Institutes of Health
Classification: Uncertain significance for Classic or attenuated familial adenomatous polyposis. Last evaluated: 2023-10-30. Review status: criteria provided, single submitter. Criteria: ACMG Guidelines, 2015. Collection method: clinical testing. Allele origin: germline. Inheritance: Autosomal dominant inheritance. Observed: 1 variant allele, 1 heterozygote.
Comment: This missense variant replaces serine with cysteine at codon 2247 of the APC protein. Computational prediction suggests that this variant may not impact protein structure and function (internally defined REVEL score threshold <= 0.5, PMID: 27666373). To our knowledge, functional studies have not been reported for this variant. This variant has not been reported in individuals affected with hereditary cancer in the literature. This variant has not been identified in the general population by the Genome Aggregation Database (gnomAD). The available evidence is insufficient to determine the role of this variant in disease conclusively. Therefore, this variant is classified as a Variant of Uncertain Significance.

This study involves interpretation of variants in research participants for the purpose of population health screening. Participant phenotype was not available at the time of variant classification. Additional details can be found in publication PMID: 35346344, PMCID: PMC8962531

NM_000038.6(APC):c.6740C>G (p.Ser2247Cys)

Gene: APC (APC regulator of Wnt signaling pathway; plus strand). Cytogenetic location: 5q22.2.
Variant type: single nucleotide variant.
Coding change: c.6740C>G on transcript NM_000038.6 (MANE Select); coding-DNA position 6740, C replaced by G.
Protein change: p.Ser2247Cys; replaces serine 2247 with cysteine.
Molecular consequence: missense variant.
Genome position (GRCh38, 1-based): chr5:112,842,334, C>G. VCF-style: chr5-112842334-C-G. GRCh37 (hg19) VCF-style: chr5-112178031-C-G.
Other names: c.6740C>G, p.Ser2247Cys (NM_001127510.3, NM_001354895.2); c.6686C>G, p.Ser2229Cys (NM_001127511.3); c.6794C>G, p.Ser2265Cys (NM_001354896.2); c.6770C>G, p.Ser2257Cys (NM_001354897.2); c.6665C>G, p.Ser2222Cys (NM_001354898.2); c.6656C>G, p.Ser2219Cys (NM_001354899.2); c.6617C>G, p.Ser2206Cys (NM_001354900.2); c.6563C>G, p.Ser2188Cys (NM_001354901.2); and 5 more; short protein forms S2206C, S1964C, S2156C, S2219C, S2265C, S2146C, S2257C, S2087C.
Identifiers: ClinVar variation 651540 (VCV000651540.17), dbSNP rs1320484906, ClinGen allele CA16036061.